The following is an entry in ClinVar:

NM_000212.3(ITGB3):c.353T>A (p.Leu118His)

Gene: ITGB3 (integrin subunit beta 3; plus strand). Cytogenetic location: 17q21.32.
Variant type: single nucleotide variant.
Coding change: c.353T>A on transcript NM_000212.3 (MANE Select); coding-DNA position 353, T replaced by A.
Protein change: p.Leu118His; replaces leucine 118 with histidine.
Molecular consequence: missense variant.
Genome position (GRCh38, 1-based): chr17:47,283,541, T>A. VCF-style: chr17-47283541-T-A. GRCh37 (hg19) VCF-style: chr17-45360907-T-A.
Other names: c.353T>A (NM_000212.2); short protein forms L118H.
Identifiers: ClinVar variation 996166 (VCV000996166.7), dbSNP rs368325996, ClinGen allele CA291224511.
Genomic context (GRCh38, chr17:47,283,541, plus strand): 5'-AGGGCTCTGGAGACAGCTCCCAGGTCACTCAAGTCAGTCCCCAGAGGATTGCACTCCGGC[T>A]CCGGCCAGGTAGGGCTGGGACTCTTTGCGGGGAGAGACCTGAAGCAGGTGGGCATAGAGC-3'
Protein context (NP_000203.2, residues 108-128): QVSPQRIALR[Leu118His]RPDDSKNFSI

ClinVar aggregate classification (germline): Likely pathogenic. Review status: reviewed by expert panel (3 of 4 stars). 5 submissions from 5 submitters: Likely pathogenic (1). 4 of the submissions do not count toward it. Last evaluated 2023-10-17.

Conditions:
ITGB3-related disorder. Also called: ITGB3-related condition.
Glanzmann thrombasthenia 2. Also called: BLEEDING DISORDER, PLATELET-TYPE, 23. Identifiers: MedGen C5543273, MONDO:0031009, OMIM 619267.
Bleeding disorder, platelet-type, 24. Also called: GLANZMANN THROMBASTHENIA-LIKE WITH MACROTHROMBOCYTOPENIA 2. Identifiers: MedGen C5543280, MONDO:0030996, OMIM 619271.
Myocardial infarction, susceptibility to. Identifiers: MedGen C1832662, MONDO:0012039, OMIM 608446.
Glanzmann thrombasthenia. Also called: Glanzmann's thrombasthenia; PLATELET GLYCOPROTEIN IIb-IIIa DEFICIENCY; BLEEDING DISORDER, PLATELET-TYPE, 2; THROMBASTHENIA OF GLANZMANN AND NAEGELI; Thrombasthenia. Identifiers: Orphanet 849, MedGen C0040015, MONDO:0100326.

Allele frequency attached by ClinVar (database versions not stated): TOPMed below 0.00001; gnomAD 0.00001; gnomAD exomes 0.00001; ESP Exome Variant Server 0.00008.
gnomAD v4.1: 6 of 1,613,984 alleles (0.00037%); highest among the groups gnomAD compares: Non-Finnish European, 0.00051%; no homozygotes.

Submissions (5):

ClinGen Platelet Disorders Variant Curation Expert Panel, ClinGen
Classification: Likely pathogenic for Glanzmann thrombasthenia. Last evaluated: 2023-10-17. Review status: reviewed by expert panel. Criteria: ClinGen Platelet ACMG Specifications v2-1. Collection method: curation. Allele origin: germline. Inheritance: Autosomal recessive inheritance.
Comment: NM_000212.3(ITGB3):c.353T>A (p.Leu118His) is a missense variant that is absent from large population cohorts, including gnomADv2.1.1 (PM2_supporting). It has been reported in at least one proband who meets the diagnostic criteria for the GT phenotype (PMID:25728920; PP4_strong). In silico tools predict a deleterious effect on gene product ( REVEL score = 0.953; PP3). This variant is seen in triple heterozygosity with two other variants, one of which (p.Ser237CysfsTer13) has been classified as Pathogenic by the ClinGen Platelet VCEP (PM3_supporting). This variant meets GT specific criteria PM2_Supporting,PP4_Strong, PP3 and PM3_Supporting and is therefore classified as likely pathogenic.

Women's Health and Genetics/Laboratory Corporation of America, LabCorp
Classification: Uncertain significance. Last evaluated: 2024-11-18. Review status: criteria provided, single submitter. Criteria: LabCorp Variant Classification Summary - May 2015. Collection method: clinical testing. Allele origin: germline. Not counted in ClinVar's aggregate classification.
Comment: Variant summary: ITGB3 c.353T>A (p.Leu118His) results in a non-conservative amino acid change located in the Integrin beta subunits (N-terminal portion of extracellular region) (IPR002369) of the encoded protein sequence. Five of five in-silico tools predict a damaging effect of the variant on protein function. The variant was absent in 249858 control chromosomes. The available data on variant occurrences in the general population are insufficient to allow any conclusion about variant significance. c.353T>A has been reported in the literature in at least one compound heterozygous individual affected with Glanzmann Thrombasthenia 2 in trans to a frameshift variant and in cis to a missense variant (e.g. Nurden_2015). This report does not provide unequivocal conclusions about association of the variant with Glanzmann Thrombasthenia 2. To our knowledge, no experimental evidence demonstrating an impact on protein function has been reported. The following publication has been ascertained in the context of this evaluation (PMID: 25728920). ClinVar contains an entry for this variant (Variation ID: 996166). Based on the evidence outlined above, the variant was classified as uncertain significance.

Fulgent Genetics
Classification: Likely pathogenic for Myocardial infarction, susceptibility to; Glanzmann thrombasthenia 2; Bleeding disorder, platelet-type, 24. Last evaluated: 2024-03-05. Review status: criteria provided, single submitter. Criteria: ACMG Guidelines, 2015. Collection method: clinical testing. Allele origin: germline. Not counted in ClinVar's aggregate classification.

GeneDx
Classification: Uncertain significance. Last evaluated: 2024-01-19. Review status: criteria provided, single submitter. Criteria: GeneDx Variant Classification Process June 2021. Collection method: clinical testing. Allele origin: germline. Affected: yes. Not counted in ClinVar's aggregate classification.
Comment: Identified in a patient with clinical features consistent with Glanzmann thrombasthenia who also harbored two additional ITGB3 variants (PMID: 25728920); Not observed at significant frequency in large population cohorts (gnomAD); In silico analysis supports that this missense variant has a deleterious effect on protein structure/function; This variant is associated with the following publications: (PMID: 25728920)

PreventionGenetics, part of Exact Sciences
Classification: Likely pathogenic for ITGB3-related condition. Last evaluated: 2022-12-07. Review status: criteria provided, single submitter. Criteria: ACMG Guidelines, 2015. Collection method: clinical testing. Allele origin: germline. Not counted in ClinVar's aggregate classification.
Comment: The ITGB3 c.353T>A variant is predicted to result in the amino acid substitution p.Leu118His. This variant has been reported in the compound heterozygous state in an individual with Glanzmann’s Thrombasthenia (Nurden et al. 2015. PubMed ID: 25728920. Table S2). Molecular modeling predicted that this variant can lead to gene product instability (Nurden et al. 2015. PubMed ID: 25728920). This variant is interpreted as likely pathogenic by ClinGen Platelet Disorders Variant Curation Expert Panel. This variant has not been reported in a large population database, indicating this variant is rare. This variant is interpreted as likely pathogenic.

Literature cited by the submitters: PubMed 25728920 (cited by Women's Health and Genetics/Laboratory Corporation of America, LabCorp).